The following is an entry in ClinVar:

NM_199420.4(POLQ):c.928G>T (p.Val310Leu)

Gene: POLQ (DNA polymerase theta; minus strand). Cytogenetic location: 3q13.33.
Variant type: single nucleotide variant.
Coding change: c.928G>T on transcript NM_199420.4 (MANE Select); coding-DNA position 928, G replaced by T.
Protein change: p.Val310Leu; replaces valine 310 with leucine.
Molecular consequence: missense variant.
Genome position (GRCh38, 1-based): chr3:121,533,022, C>A on the plus strand (G>T on the coding strand, the complement: POLQ is on the minus strand). VCF-style: chr3-121533022-C-A. GRCh37 (hg19) VCF-style: chr3-121251869-C-A.
Other names: short protein forms V310L.
Identifiers: ClinVar variation 2448898 (VCV002448898.2), dbSNP rs2546819013, ClinGen allele CA354125891.
Genomic context (GRCh38, chr3:121,533,022, plus strand): 5'-TAGTAGTGATGTACATATATTGATTTACCTTCACTTGTAGCATGGGCTCAAATTCCCTCA[C>A]AAGTTTCATTGAAGAGTCATATATGGAATTTCCAACTTTTACTGACTCCAAAAGCGGTAC-3'
Protein context (NP_955452.3, residues 300-320): NSIYDSSMKL[Val310Leu]REFEPMLQVK

ClinVar aggregate classification (germline): Uncertain significance (1 of 4 stars; one submission).

Submission:

Ambry Genetics
Classification: Uncertain significance. Last evaluated: 2022-11-04. Review status: criteria provided, single submitter. Criteria: Ambry Variant Classification Scheme 2023. Collection method: clinical testing. Allele origin: germline.
Comment: The p.V310L variant (also known as c.928G>T), located in coding exon 6 of the POLQ gene, results from a G to T substitution at nucleotide position 928. The valine at codon 310 is replaced by leucine, an amino acid with highly similar properties. This amino acid position is conserved. In addition, this alteration is predicted to be tolerated by in silico analysis. Since supporting evidence is limited at this time, the clinical significance of this alteration remains unclear.